The following is an entry in ClinVar:

ClinVar aggregate classification (germline): Uncertain significance (1 of 4 stars; one submission).

gnomAD v4.1: 9 of 1,614,090 alleles (0.00056%); highest among the groups gnomAD compares: Admixed American, 0.0017%; no homozygotes.

Submission:

Women's Health and Genetics/Laboratory Corporation of America, LabCorp
Classification: Uncertain significance. Last evaluated: 2026-06-26. Review status: criteria provided, single submitter. Criteria: LabCorp Variant Classification Summary - May 2015. Collection method: clinical testing. Allele origin: germline.
Comment: Variant summary: MED13 c.1688T>C (p.Met563Thr) results in a non-conservative amino acid change in the encoded protein sequence. Algorithms developed to predict the effect of missense changes on protein structure and function are either unavailable or do not agree on the potential impact of this missense change. The variant was absent in 249554 control chromosomes. The available data on variant occurrences in the general population are insufficient to allow any conclusion about variant significance. To our knowledge, no occurrence of c.1688T>C in individuals affected with MED13-related conditions and no experimental evidence demonstrating its impact on protein function have been reported. No submitters have cited clinical-significance assessments for this variant to ClinVar. Based on the evidence outlined above, the variant was classified as uncertain significance.

NM_005121.3(MED13):c.1688T>C (p.Met563Thr)

Gene: MED13 (mediator complex subunit 13; minus strand). Cytogenetic location: 17q23.2.
Variant type: single nucleotide variant.
Coding change: c.1688T>C on transcript NM_005121.3 (MANE Select); coding-DNA position 1688, T replaced by C.
Protein change: p.Met563Thr; replaces methionine 563 with threonine.
Molecular consequence: missense variant.
Genome position (GRCh38, 1-based): chr17:62,010,829, A>G on the plus strand (T>C on the coding strand, the complement: MED13 is on the minus strand). VCF-style: chr17-62010829-A-G. GRCh37 (hg19) VCF-style: chr17-60088190-A-G.
Other names: short protein forms M563T.
Identifiers: ClinVar variation 4887670 (VCV004887670.1).